The following is an entry in ClinVar:

NM_020964.3(EPG5):c.1504G>A (p.Val502Met)

Gene: EPG5 (ectopic P-granules 5 autophagy tethering factor; minus strand). Cytogenetic location: 18q21.1.
Variant type: single nucleotide variant.
Coding change: c.1504G>A on transcript NM_020964.3 (MANE Select); coding-DNA position 1504, G replaced by A.
Protein change: p.Val502Met; replaces valine 502 with methionine.
Molecular consequence: missense variant.
Genome position (GRCh38, 1-based): chr18:45,948,570, C>T on the plus strand (G>A on the coding strand, the complement: EPG5 is on the minus strand). VCF-style: chr18-45948570-C-T. GRCh37 (hg19) VCF-style: chr18-43528536-C-T.
Other names: c.1504G>A, p.Val502Met (NM_001410858.1, NM_001410859.1); short protein forms V502M.
Identifiers: ClinVar variation 2135715 (VCV002135715.1), dbSNP rs2050837867, ClinGen allele CA402349224.

ClinVar aggregate classification (germline): Uncertain significance (1 of 4 stars; one submission).

Conditions:
Vici syndrome (VICIS). Identifiers: Orphanet 1493, MedGen C1855772, MONDO:0009452, OMIM 242840.

Submission:

Labcorp Genetics (formerly Invitae), Labcorp
Classification: Uncertain significance for Vici syndrome. Last evaluated: 2022-06-15. Review status: criteria provided, single submitter. Criteria: Invitae Variant Classification Sherloc (09022015). Collection method: clinical testing. Allele origin: germline.
Comment: This sequence change replaces valine, which is neutral and non-polar, with methionine, which is neutral and non-polar, at codon 502 of the EPG5 protein (p.Val502Met). This variant is not present in population databases (gnomAD no frequency). This variant has not been reported in the literature in individuals affected with EPG5-related conditions. Algorithms developed to predict the effect of missense changes on protein structure and function are either unavailable or do not agree on the potential impact of this missense change (SIFT: "Tolerated"; PolyPhen-2: "Probably Damaging"; Align-GVGD: "Class C0"). In summary, the available evidence is currently insufficient to determine the role of this variant in disease. Therefore, it has been classified as a Variant of Uncertain Significance.